The following is an entry in ClinVar:

NM_000094.4(COL7A1):c.4329G>T (p.Lys1443Asn)

Gene: COL7A1 (collagen type VII alpha 1 chain; minus strand). Cytogenetic location: 3p21.31.
Variant type: single nucleotide variant.
Coding change: c.4329G>T on transcript NM_000094.4 (MANE Select); coding-DNA position 4329, G replaced by T.
Protein change: p.Lys1443Asn; replaces lysine 1443 with asparagine.
Molecular consequence: missense variant.
Genome position (GRCh38, 1-based): chr3:48,583,730, C>A on the plus strand (G>T on the coding strand, the complement: COL7A1 is on the minus strand). VCF-style: chr3-48583730-C-A. GRCh37 (hg19) VCF-style: chr3-48621163-C-A.
Other names: short protein forms K1443N.
Identifiers: ClinVar variation 345849 (VCV000345849.11), dbSNP rs752495777, ClinGen allele CA2380096.
Genomic context (GRCh38, chr3:48,583,730, plus strand): 5'-GCAGCCTCCCACCCCAGAACTGGGACATCATCAAGTCAGCCTTCCTACTTTTTCTCCTTT[C>A]TTTCCAGGGGGGCCAACGGGGCCTTGGGGTCCAGGGCTTCCGGGAAGACCCTAGGAAGAA-3'
Protein context (NP_000085.1, residues 1433-1453): GPQGPVGPPG[Lys1443Asn]KGEKGDSEDG

ClinVar aggregate classification (germline): Uncertain significance. Review status: criteria provided, multiple submitters, no conflicts (2 of 4 stars). 4 submissions from 4 submitters: Uncertain significance (4). Last evaluated 2026-01-26.

Conditions:
Epidermolysis bullosa dystrophica. Also called: Dystrophic epidermolysis bullosa, Hallopeau-Siemens type (formerly); Dystrophic epidermolysis bullosa. Identifiers: Orphanet 303, MedGen C0079294, MONDO:0006543.
Inborn genetic diseases. Identifiers: MedGen C0950123, MeSH D030342.

Allele frequency attached by ClinVar (database versions not stated): ExAC 0.00002; gnomAD 0.00003; gnomAD exomes 0.00003 and 0.00008; TOPMed 0.00004.
gnomAD v4.1: 128 of 1,613,922 alleles (0.0079%); highest among the groups gnomAD compares: Non-Finnish European, 0.01%; no homozygotes.

Submissions (4):

Labcorp Genetics (formerly Invitae), Labcorp
Classification: Uncertain significance. Last evaluated: 2026-01-26. Review status: criteria provided, single submitter. Criteria: Invitae Variant Classification Sherloc (09022015). Collection method: clinical testing. Allele origin: germline.
Comment: This sequence change replaces lysine, which is basic and polar, with asparagine, which is neutral and polar, at codon 1443 of the COL7A1 protein (p.Lys1443Asn). This variant is present in population databases (rs752495777, gnomAD 0.006%). This variant has not been reported in the literature in individuals affected with COL7A1-related conditions. ClinVar contains an entry for this variant (Variation ID: 345849). Invitae Evidence Modeling of protein sequence and biophysical properties (such as structural, functional, and spatial information, amino acid conservation, physicochemical variation, residue mobility, and thermodynamic stability) indicates that this missense variant is not expected to disrupt COL7A1 protein function with a negative predictive value of 95%. In summary, the available evidence is currently insufficient to determine the role of this variant in disease. Therefore, it has been classified as a Variant of Uncertain Significance.

Ambry Genetics
Classification: Uncertain significance for Inborn genetic diseases. Last evaluated: 2025-05-29. Review status: criteria provided, single submitter. Criteria: Ambry Variant Classification Scheme 2023. Collection method: clinical testing. Allele origin: germline.

Women's Health and Genetics/Laboratory Corporation of America, LabCorp
Classification: Uncertain significance. Last evaluated: 2024-07-08. Review status: criteria provided, single submitter. Criteria: LabCorp Variant Classification Summary - May 2015. Collection method: clinical testing. Allele origin: germline.

Illumina Laboratory Services, Illumina
Classification: Uncertain significance for Dystrophic epidermolysis bullosa. Last evaluated: 2018-01-13. Review status: criteria provided, single submitter. Criteria: ICSL Variant Classification Criteria 13 December 2019. Collection method: clinical testing. Allele origin: germline.